The following is an entry in ClinVar:

NM_020975.6(RET):c.2832C>T (p.Ile944=)

Gene: RET (ret proto-oncogene; plus strand). Cytogenetic location: 10q11.21.
Variant type: single nucleotide variant.
Coding change: c.2832C>T on transcript NM_020975.6 (MANE Select); coding-DNA position 2832, C replaced by T.
Protein change: p.Ile944=; no amino-acid change (isoleucine 944 retained).
Molecular consequence: synonymous variant.
Genome position (GRCh38, 1-based): chr10:43,123,701, C>T. VCF-style: chr10-43123701-C-T. GRCh37 (hg19) VCF-style: chr10-43619149-C-T.
Other names: c.2832C>T, p.Ile944= (NM_000323.2, NM_001406743.1, NM_001406744.1 and 4 more transcripts); c.2070C>T, p.Ile690= (NM_001355216.2); c.2703C>T, p.Ile901= (NM_001406761.1, NM_001406762.1, NM_001406764.1); c.2697C>T, p.Ile899= (NM_001406763.1, NM_001406765.1); c.2544C>T, p.Ile848= (NM_001406766.1, NM_001406767.1, NM_001406770.1); c.2568C>T, p.Ile856= (NM_001406768.1); c.2436C>T, p.Ile812= (NM_001406769.1, NM_001406772.1); c.2394C>T, p.Ile798= (NM_001406771.1, NM_001406773.1); and 10 more.
Identifiers: ClinVar variation 1595845 (VCV001595845.36), dbSNP rs755606269, ClinGen allele CA041246.
Genomic context (GRCh38, chr10:43,123,701, plus strand): 5'-GCCACTCACTGGTCCTTTCACTCTCTGCAGATGGTCTTTTGGTGTCCTGCTGTGGGAGAT[C>T]GTGACCCTAGGGGGAAACCCCTATCCTGGGATTCCTCCTGAGCGGCTCTTCAACCTTCTG-3'
Protein context (NP_066124.1, residues 934-954): VWSFGVLLWE[Ile944=]VTLGGNPYPG

ClinVar aggregate classification (germline): Likely benign. Review status: criteria provided, multiple submitters, no conflicts (2 of 4 stars). 4 submissions from 4 submitters: Likely benign (4). Last evaluated 2024-08-27.

Conditions:
Hereditary cancer-predisposing syndrome. Also called: Neoplastic Syndromes, Hereditary; Hereditary neoplastic syndrome; Tumor predisposition; Hereditary Cancer Syndrome. Identifiers: Orphanet 140162, MedGen C0027672, MeSH D009386, MONDO:0015356.
Multiple endocrine neoplasia, type 2 (MEN2). Identifiers: Orphanet 653, MedGen C4048306, MONDO:0019003. Disease mechanism: gain of function.

Allele frequency attached by ClinVar (database versions not stated): ExAC 0.00001; gnomAD exomes 0.00001.
gnomAD v4.1: 6 of 1,614,154 alleles (0.00037%); highest among the groups gnomAD compares: Non-Finnish European, 0.00051%; no homozygotes.

Submissions (4):

Labcorp Genetics (formerly Invitae), Labcorp
Classification: Likely benign for Multiple endocrine neoplasia, type 2. Last evaluated: 2024-08-27. Review status: criteria provided, single submitter. Criteria: Invitae Variant Classification Sherloc (09022015). Collection method: clinical testing. Allele origin: germline.

All of Us Research Program, National Institutes of Health
Classification: Likely benign for Multiple endocrine neoplasia, type 2. Last evaluated: 2023-05-31. Review status: criteria provided, single submitter. Criteria: ACMG Guidelines, 2015. Collection method: clinical testing. Allele origin: germline. Inheritance: Autosomal dominant inheritance. Observed: 2 variant alleles, 2 heterozygotes.
Comment: This study involves interpretation of variants in research participants for the purpose of population health screening. Participant phenotype was not available at the time of variant classification. Additional details can be found in publication PMID: 35346344, PMCID: PMC8962531

CeGaT Center for Human Genetics Tuebingen
Classification: Likely benign. Last evaluated: 2022-12-01. Review status: criteria provided, single submitter. Criteria: CeGaT Center For Human Genetics Tuebingen Variant Classification Criteria Version 2. Collection method: clinical testing. Allele origin: germline. Affected: yes. Observed: 1 variant allele.
Comment: RET: BP4, BP7

Ambry Genetics
Classification: Likely benign for Hereditary cancer-predisposing syndrome. Last evaluated: 2021-06-02. Review status: criteria provided, single submitter. Criteria: Ambry Variant Classification Scheme 2023. Collection method: clinical testing. Allele origin: germline.